The following is an entry in ClinVar:

ClinVar aggregate classification (germline): Uncertain significance (1 of 4 stars; one submission).

Submission:

Labcorp Genetics (formerly Invitae), Labcorp
Classification: Uncertain significance. Last evaluated: 2022-12-06. Review status: criteria provided, single submitter. Criteria: Invitae Variant Classification Sherloc (09022015). Collection method: clinical testing. Allele origin: germline.
Comment: ClinVar contains an entry for this variant (Variation ID: 1045979). Advanced modeling of protein sequence and biophysical properties (such as structural, functional, and spatial information, amino acid conservation, physicochemical variation, residue mobility, and thermodynamic stability) performed at Invitae indicates that this missense variant is not expected to disrupt TPP1 protein function. In summary, the available evidence is currently insufficient to determine the role of this variant in disease. Therefore, it has been classified as a Variant of Uncertain Significance. This variant has not been reported in the literature in individuals affected with TPP1-related conditions. This sequence change replaces proline, which is neutral and non-polar, with threonine, which is neutral and polar, at codon 33 of the TPP1 protein (p.Pro33Thr). This variant is not present in population databases (gnomAD no frequency).

NM_000391.4(TPP1):c.97C>A (p.Pro33Thr)

Gene: TPP1 (tripeptidyl peptidase 1; minus strand). Cytogenetic location: 11p15.4.
Variant type: single nucleotide variant.
Coding change: c.97C>A on transcript NM_000391.4 (MANE Select); coding-DNA position 97, C replaced by A.
Protein change: p.Pro33Thr; replaces proline 33 with threonine.
Molecular consequence: missense variant.
Genome position (GRCh38, 1-based): chr11:6,618,908, G>T on the plus strand (C>A on the coding strand, the complement: TPP1 is on the minus strand). VCF-style: chr11-6618908-G-T. GRCh37 (hg19) VCF-style: chr11-6640139-G-T.
Other names: short protein forms P33T.
Identifiers: ClinVar variation 1045979 (VCV001045979.8), dbSNP rs1855627680, ClinGen allele CA379476902.